The following is an entry in ClinVar:

NM_014339.7(IL17RA):c.1979C>T (p.Pro660Leu)

Gene: IL17RA (interleukin 17 receptor A; plus strand). Cytogenetic location: 22q11.1.
Variant type: single nucleotide variant.
Coding change: c.1979C>T on transcript NM_014339.7 (MANE Select); coding-DNA position 1979, C replaced by T.
Protein change: p.Pro660Leu; replaces proline 660 with leucine.
Molecular consequence: missense variant.
Genome position (GRCh38, 1-based): chr22:17,109,198, C>T. VCF-style: chr22-17109198-C-T. GRCh37 (hg19) VCF-style: chr22-17590088-C-T.
Other names: c.1877C>T, p.Pro626Leu (NM_001289905.2); short protein forms P626L, P660L.
Identifiers: ClinVar variation 1060083 (VCV001060083.9), dbSNP rs1265981258, ClinGen allele CA410219867.

ClinVar aggregate classification (germline): Uncertain significance (1 of 4 stars; one submission).

Conditions:
Immunodeficiency 51 (IMD51). Also called: CANDIDIASIS, FAMILIAL, 5. Identifiers: Orphanet 1334, MedGen C4310803, MONDO:0013500, OMIM 613953.

Submission:

Labcorp Genetics (formerly Invitae), Labcorp
Classification: Uncertain significance for Immunodeficiency 51. Last evaluated: 2024-02-24. Review status: criteria provided, single submitter. Criteria: Invitae Variant Classification Sherloc (09022015). Collection method: clinical testing. Allele origin: germline.
Comment: This sequence change replaces proline, which is neutral and non-polar, with leucine, which is neutral and non-polar, at codon 660 of the IL17RA protein (p.Pro660Leu). This variant is not present in population databases (gnomAD no frequency). This variant has not been reported in the literature in individuals affected with IL17RA-related conditions. ClinVar contains an entry for this variant (Variation ID: 1060083). Advanced modeling of protein sequence and biophysical properties (such as structural, functional, and spatial information, amino acid conservation, physicochemical variation, residue mobility, and thermodynamic stability) performed at Invitae indicates that this missense variant is not expected to disrupt IL17RA protein function with a negative predictive value of 80%. In summary, the available evidence is currently insufficient to determine the role of this variant in disease. Therefore, it has been classified as a Variant of Uncertain Significance.